The following is an entry in ClinVar:

ClinVar aggregate classification (germline): Pathogenic (1 of 4 stars; one submission).

Conditions:
Cardiovascular phenotype. Identifiers: MedGen CN230736.
Hereditary cancer-predisposing syndrome. Also called: Neoplastic Syndromes, Hereditary; Tumor predisposition; Hereditary Cancer Syndrome; Hereditary neoplastic syndrome. Identifiers: Orphanet 140162, MedGen C0027672, MeSH D009386, MONDO:0015356.

Submission:

Ambry Genetics
Classification: Pathogenic for Cardiovascular phenotype; Hereditary cancer-predisposing syndrome. Last evaluated: 2025-10-16. Review status: criteria provided, single submitter. Criteria: Ambry Variant Classification Scheme 2023. Collection method: clinical testing. Allele origin: germline.
Comment: The c.968dupT pathogenic mutation, located in coding exon 9 of the LZTR1 gene, results from a duplication of T at nucleotide position 968, causing a translational frameshift with a predicted alternate stop codon (p.V324Rfs*13). This alteration is expected to result in loss of function by premature protein truncation or nonsense-mediated mRNA decay. Loss-of-function variants in LZTR1 are related to an increased risk for schwannomas and autosomal recessive Noonan syndrome; however, such associations with autosomal dominant Noonan syndrome have not been observed (Piotrowski A et al. Nat Genet. 2014 Feb;46:182-7; Yamamoto GL et al. J Med Genet. 2015 Jun;52:413-21; Johnston JJ et al. Genet Med. 2018 10;20:1175-1185). Based on the supporting evidence, this variant is pathogenic for an increased risk of LZTR1-related schwannomatosis (SWN) and would be expected to cause autosomal recessive Noonan syndrome when present along with a second pathogenic or likely pathogenic variant on the other allele; however, the association of this alteration with autosomal dominant Noonan syndrome is unlikely.

NM_006767.4(LZTR1):c.968dup (p.Val324fs)

Gene: LZTR1 (leucine zipper like post translational regulator 1; plus strand). Cytogenetic location: 22q11.21.
Variant type: Duplication.
Coding change: c.968dup on transcript NM_006767.4 (MANE Select); coding-DNA position 968, one base duplicated (T; older notation c.968dupT).
Protein change: p.Val324fs; shifts the reading frame from valine 324.
Molecular consequence: frameshift variant.
Genome position (GRCh38, 1-based): chr22:20,991,804, T duplicated. VCF-style (leftmost placement, unchanged base first): chr22-20991803-G-GT. GRCh37 (hg19) VCF-style: chr22-21346092-G-GT.
Other names: short protein forms V324fs.
Identifiers: ClinVar variation 4615621 (VCV004615621.1).